The following is an entry in ClinVar:

ClinVar aggregate classification (germline): Conflicting classifications of pathogenicity. Review status: criteria provided, conflicting classifications (1 of 4 stars). 3 submissions from 3 submitters: Uncertain significance (2); Likely benign (1). Last evaluated 2025-11-17.

Allele frequency attached by ClinVar (database versions not stated): gnomAD 0.00003 and 0.00008; TOPMed 0.00004; gnomAD exomes 0.00013 and 0.00021; ExAC 0.00027.
gnomAD v4.1: 199 of 1,610,758 alleles (0.012%); highest among the groups gnomAD compares: South Asian, 0.16%; 1 homozygote.

Submissions (3):

Labcorp Genetics (formerly Invitae), Labcorp
Classification: Uncertain significance. Last evaluated: 2025-11-17. Review status: criteria provided, single submitter. Criteria: Invitae Variant Classification Sherloc (09022015). Collection method: clinical testing. Allele origin: germline.
Comment: This sequence change affects codon 300 of the TFRC mRNA. It is a 'silent' change, meaning that it does not change the encoded amino acid sequence of the TFRC protein. It affects a nucleotide within the consensus splice site. This variant is present in population databases (rs528365072, gnomAD 0.2%), and has an allele count higher than expected for a pathogenic variant. This variant has not been reported in the literature in individuals affected with TFRC-related conditions. ClinVar contains an entry for this variant (Variation ID: 1406382). Algorithms developed to predict the effect of sequence changes on RNA splicing suggest that this variant is not likely to affect RNA splicing. In summary, the available evidence is currently insufficient to determine the role of this variant in disease. Therefore, it has been classified as a Variant of Uncertain Significance.

Blueprint Genetics
Classification: Likely benign. Last evaluated: 2023-03-22. Review status: criteria provided, single submitter. Criteria: ACMG Guidelines, 2015. Collection method: clinical testing. Allele origin: germline.

Breakthrough Genomics
Classification: Uncertain significance. Review status: criteria provided, single submitter. Criteria: ACMG Guidelines, 2015. Collection method: not provided. Allele origin: germline. Inheritance: Autosomal recessive inheritance. Affected: yes.

NM_001128148.3(TFRC):c.900T>C (p.His300=)

Gene: TFRC (transferrin receptor; minus strand). Cytogenetic location: 3q29.
Variant type: single nucleotide variant.
Coding change: c.900T>C on transcript NM_001128148.3 (MANE Select); coding-DNA position 900, T replaced by C.
Protein change: p.His300=; no amino-acid change (histidine 300 retained).
Molecular consequence: synonymous variant.
Genome position (GRCh38, 1-based): chr3:196,068,032, A>G on the plus strand (T>C on the coding strand, the complement: TFRC is on the minus strand). VCF-style: chr3-196068032-A-G. GRCh37 (hg19) VCF-style: chr3-195794903-A-G.
Other names: c.657T>C, p.His219= (NM_001313965.2); c.54T>C, p.His18= (NM_001313966.2); c.900T>C, p.His300= (NM_003234.4).
Identifiers: ClinVar variation 1406382 (VCV001406382.8), dbSNP rs528365072, ClinGen allele CA2778155.